The following is an entry in ClinVar:

ClinVar aggregate classification (germline): Uncertain significance (1 of 4 stars; one submission).

Conditions:
Capillary malformation-arteriovenous malformation syndrome. Also called: Capillary malformation-arteriovenous malformation. Identifiers: Orphanet 137667, MedGen C1842180, MONDO:0012016.

Submission:

Labcorp Genetics (formerly Invitae), Labcorp
Classification: Uncertain significance for Capillary malformation-arteriovenous malformation syndrome. Last evaluated: 2021-10-14. Review status: criteria provided, single submitter. Criteria: Invitae Variant Classification Sherloc (09022015). Collection method: clinical testing. Allele origin: germline.
Comment: Algorithms developed to predict the effect of sequence changes on RNA splicing suggest that this variant may disrupt the consensus splice site. This sequence change falls in intron 10 of the RASA1 gene. It does not directly change the encoded amino acid sequence of the RASA1 protein. This variant is not present in population databases (ExAC no frequency). This variant has not been reported in the literature in individuals affected with RASA1-related conditions. In summary, the available evidence is currently insufficient to determine the role of this variant in disease. Therefore, it has been classified as a Variant of Uncertain Significance.

NM_002890.3(RASA1):c.1454-12_1454-7del

Genes: CCNH (cyclin H; minus strand), RASA1 (RAS p21 protein activator 1; plus strand). Cytogenetic location: 5q14.3.
Variant type: Deletion.
Coding change: c.1454-12_1454-7del on transcript NM_002890.3 (MANE Select); 12 bases into the intron before coding-DNA position 1454 through 7 bases into the intron before coding-DNA position 1454, 6 bases deleted (TTTTTT; older notation c.1454-12_1454-7delTTTTTT).
Molecular consequence: intron variant.
Genome position (GRCh38, 1-based): chr5:87,363,336-87,363,341, TTTTTT deleted; deleting any 6 consecutive bases within chr5:87,363,331-87,363,341 gives the same sequence; the c. name uses the placement nearest the transcript's 3' end. VCF-style (leftmost placement, unchanged base first): chr5-87363330-ATTTTTT-A. GRCh37 (hg19) VCF-style: chr5-86659147-ATTTTTT-A.
Other names: c.923-12_923-7del (NM_022650.3); c.933+31708_933+31713del (NM_001364075.2).
Identifiers: ClinVar variation 1386895 (VCV001386895.8), dbSNP rs60835976, ClinGen allele CA2573140078.